The following is an entry in ClinVar:

NM_000293.3(PHKB):c.2309A>G (p.Tyr770Cys)

Gene: PHKB (phosphorylase kinase regulatory subunit beta; plus strand). Cytogenetic location: 16q12.1.
Variant type: single nucleotide variant.
Coding change: c.2309A>G on transcript NM_000293.3 (MANE Select); coding-DNA position 2309, A replaced by G.
Protein change: p.Tyr770Cys; replaces tyrosine 770 with cysteine.
Molecular consequence: missense variant.
Genome position (GRCh38, 1-based): chr16:47,663,707, A>G. VCF-style: chr16-47663707-A-G. GRCh37 (hg19) VCF-style: chr16-47697618-A-G.
Other names: c.2288A>G, p.Tyr763Cys (NM_001031835.3); c.2309A>G, p.Tyr770Cys (NM_001363837.1); short protein forms Y763C, Y770C.
Identifiers: ClinVar variation 257175 (VCV000257175.27), dbSNP rs16945474, ClinGen allele CA8041146.

ClinVar aggregate classification (germline): Benign/Likely benign. Review status: criteria provided, multiple submitters, no conflicts (2 of 4 stars). 8 submissions from 8 submitters: Benign (5); Likely benign (2). 1 of the submissions does not count toward it. Last evaluated 2026-02-04.

Conditions:
Glycogen storage disease IXb (GSD9B). Also called: PHOSPHORYLASE KINASE DEFICIENCY OF LIVER AND MUSCLE, AUTOSOMAL RECESSIVE; GLYCOGENOSIS OF LIVER AND MUSCLE, AUTOSOMAL RECESSIVE; GSD IXb. Identifiers: Orphanet 79240, MedGen C0543514, MONDO:0009868, OMIM 261750.

Allele frequency attached by ClinVar (database versions not stated): 1000 Genomes Project 30x 0.06886; gnomAD exomes 0.04042; 1000 Genomes Project 0.06470; gnomAD 0.07291 and 0.06996; ESP Exome Variant Server 0.08045; ExAC 0.04280; TOPMed 0.07587.
gnomAD v4.1: 70,604 of 1,611,382 alleles (4.4%); highest among the groups gnomAD compares: African/African-American, 16%; 2,190 homozygotes.

Submissions (8):

Labcorp Genetics (formerly Invitae), Labcorp
Classification: Benign for Glycogen storage disease IXb. Last evaluated: 2026-02-04. Review status: criteria provided, single submitter. Criteria: Invitae Variant Classification Sherloc (09022015). Collection method: clinical testing. Allele origin: germline.

ARUP Laboratories, Molecular Genetics and Genomics, ARUP Laboratories
Classification: Benign for Glycogen storage disease IXb. Last evaluated: 2025-06-01. Review status: criteria provided, single submitter. Criteria: ARUP Molecular Germline Variant Investigation Process 2024. Collection method: clinical testing. Allele origin: germline.

Women's Health and Genetics/Laboratory Corporation of America, LabCorp
Classification: Likely benign. Last evaluated: 2021-12-10. Review status: criteria provided, single submitter. Criteria: LabCorp Variant Classification Summary - May 2015. Collection method: clinical testing. Allele origin: germline.

Illumina Laboratory Services, Illumina
Classification: Benign for Glycogen storage disease IXb. Last evaluated: 2018-03-06. Review status: criteria provided, single submitter. Criteria: ICSL Variant Classification Criteria 13 December 2019. Collection method: clinical testing. Allele origin: germline.
Comment: This variant was observed in the ICSL laboratory as part of a predisposition screen in an ostensibly healthy population. It had not been previously curated by ICSL or reported in the Human Gene Mutation Database (HGMD: prior to June 1st, 2018), and was therefore a candidate for classification through an automated scoring system. Utilizing variant allele frequency, disease prevalence and penetrance estimates, and inheritance mode, an automated score was calculated to assess if this variant is too frequent to cause the disease. Based on the score and internal cut-off values, a variant classified as benign is not then subjected to further curation. The score for this variant resulted in a classification of benign for this disease.

GeneDx
Classification: Benign. Last evaluated: 2016-01-08. Review status: criteria provided, single submitter. Criteria: GeneDx Variant Classification (06012015). Collection method: clinical testing. Allele origin: germline. Affected: yes.
Comment: This variant is considered likely benign or benign based on one or more of the following criteria: it is a conservative change, it occurs at a poorly conserved position in the protein, it is predicted to be benign by multiple in silico algorithms, and/or has population frequency not consistent with disease.

Breakthrough Genomics
Classification: Likely benign. Review status: criteria provided, single submitter. Criteria: ACMG Guidelines, 2015. Collection method: not provided. Allele origin: germline. Inheritance: Autosomal recessive inheritance. Affected: yes.

PreventionGenetics, part of Exact Sciences
Classification: Benign. Review status: criteria provided, single submitter. Criteria: ACMG Guidelines, 2015. Collection method: clinical testing. Allele origin: germline.

Mayo Clinic Laboratories, Mayo Clinic
Classification: Likely benign. Last evaluated: 2017-03-13. Review status: no assertion criteria provided. Collection method: clinical testing. Allele origin: unknown. Not counted in ClinVar's aggregate classification.